The following is an entry in ClinVar:

ClinVar aggregate classification (germline): Likely pathogenic (1 of 4 stars; one submission).

Submission:

Labcorp Genetics (formerly Invitae), Labcorp
Classification: Likely pathogenic. Last evaluated: 2021-03-09. Review status: criteria provided, single submitter. Criteria: Invitae Variant Classification Sherloc (09022015). Collection method: clinical testing. Allele origin: germline.
Comment: In summary, the currently available evidence indicates that the variant is pathogenic, but additional data are needed to prove that conclusively. Therefore, this variant has been classified as Likely Pathogenic. This variant is not present in population databases (ExAC no frequency). This variant has not been reported in the literature in individuals with LOXHD1-related conditions. Algorithms developed to predict the effect of sequence changes on RNA splicing suggest that this variant may disrupt the consensus splice site, but this prediction has not been confirmed by published transcriptional studies. This sequence change affects an acceptor splice site in intron 36 of the LOXHD1 gene. It is expected to disrupt RNA splicing. Variants that disrupt the donor or acceptor splice site typically lead to a loss of protein function (PMID: 16199547), and loss-of-function variants in LOXHD1 are known to be pathogenic (PMID: 19732867, 21465660, 25792669).

Literature cited by the submitters: PubMed 16199547; PubMed 19732867; PubMed 21465660; PubMed 25792669.

NM_001384474.1(LOXHD1):c.5879-1G>T

Gene: LOXHD1 (lipoxygenase homology PLAT domains 1; minus strand). Cytogenetic location: 18q21.1.
Variant type: single nucleotide variant.
Coding change: c.5879-1G>T on transcript NM_001384474.1 (MANE Select); the canonical splice acceptor site of the intron before coding-DNA position 5879, G replaced by T.
Molecular consequence: splice acceptor variant.
Genome position (GRCh38, 1-based): chr18:46,489,143, C>A on the plus strand (G>T on the coding strand, the complement: LOXHD1 is on the minus strand). VCF-style: chr18-46489143-C-A. GRCh37 (hg19) VCF-style: chr18-44069106-C-A.
Other names: c.2546-1G>T (NM_001145472.3); c.2258-1G>T (NM_001308013.2); c.596-1G>T (NM_001173129.2, NM_001145473.3); c.5693-1G>T (NM_144612.7).
Identifiers: ClinVar variation 1473147 (VCV001473147.8), dbSNP rs1444945856, ClinGen allele CA402366882.